The following is an entry in ClinVar:

ClinVar aggregate classification (germline): Pathogenic (1 of 4 stars; one submission).

Allele frequency attached by ClinVar (database versions not stated): TOPMed 0.00001.

Submission:

Labcorp Genetics (formerly Invitae), Labcorp
Classification: Pathogenic. Last evaluated: 2023-03-16. Review status: criteria provided, single submitter. Criteria: Invitae Variant Classification Sherloc (09022015). Collection method: clinical testing. Allele origin: germline.
Comment: For these reasons, this variant has been classified as Pathogenic. This variant has not been reported in the literature in individuals affected with ALDH3A2-related conditions. This variant is not present in population databases (gnomAD no frequency). This sequence change creates a premature translational stop signal (p.His368Glnfs*2) in the ALDH3A2 gene. It is expected to result in an absent or disrupted protein product. Loss-of-function variants in ALDH3A2 are known to be pathogenic (PMID: 10577908, 10854114).

Literature cited by the submitters: PubMed 10577908; PubMed 10854114.

NM_000382.3(ALDH3A2):c.1103dup (p.His368fs)

Gene: ALDH3A2 (aldehyde dehydrogenase 3 family member A2; plus strand). Cytogenetic location: 17p11.2.
Variant type: Duplication.
Coding change: c.1103dup on transcript NM_000382.3 (MANE Select); coding-DNA position 1103, one base duplicated (A; older notation c.1103dupA).
Protein change: p.His368fs; shifts the reading frame from histidine 368.
Molecular consequence: frameshift variant.
Genome position (GRCh38, 1-based): chr17:19,663,495, A duplicated. VCF-style (leftmost placement, unchanged base first): chr17-19663494-C-CA. GRCh37 (hg19) VCF-style: chr17-19566807-C-CA.
Other names: c.1103dup, p.His368fs (NM_001031806.2, NM_001369136.1, NM_001369137.2 and 3 more transcripts); c.524dup, p.His175fs (NM_001369148.2); short protein forms H175fs, H368fs.
Identifiers: ClinVar variation 2825244 (VCV002825244.3), dbSNP rs2084996201, ClinGen allele CA2497420120.